The following is an entry in ClinVar:

ClinVar aggregate classification (germline): Uncertain significance (1 of 4 stars; one submission).

Allele frequency attached by ClinVar (database versions not stated): gnomAD 0.00001; TOPMed 0.00002.
gnomAD v4.1: 1 of 1,612,738 alleles (0.000062%); highest among the groups gnomAD compares: Admixed American, 0.0017%; no homozygotes.

Submission:

Labcorp Genetics (formerly Invitae), Labcorp
Classification: Uncertain significance. Last evaluated: 2022-08-10. Review status: criteria provided, single submitter. Criteria: Invitae Variant Classification Sherloc (09022015). Collection method: clinical testing. Allele origin: germline.
Comment: This sequence change replaces valine, which is neutral and non-polar, with alanine, which is neutral and non-polar, at codon 1068 of the COL18A1 protein (p.Val1068Ala). This variant is not present in population databases (gnomAD no frequency). This variant has not been reported in the literature in individuals affected with COL18A1-related conditions. Experimental studies and prediction algorithms are not available or were not evaluated, and the functional significance of this variant is currently unknown. In summary, the available evidence is currently insufficient to determine the role of this variant in disease. Therefore, it has been classified as a Variant of Uncertain Significance.

NM_001379500.1(COL18A1):c.3212T>C (p.Val1071Ala)

Genes: COL18A1 (collagen type XVIII alpha 1 chain; plus strand), SLC19A1 (solute carrier family 19 member 1; minus strand). Cytogenetic location: 21q22.3.
Variant type: single nucleotide variant.
Coding change: c.3212T>C on transcript NM_001379500.1 (MANE Select); coding-DNA position 3212, T replaced by C.
Protein change: p.Val1071Ala; replaces valine 1071 with alanine.
Molecular consequence: missense variant.
Genome position (GRCh38, 1-based): chr21:45,505,962, T>C. VCF-style: chr21-45505962-T-C. GRCh37 (hg19) VCF-style: chr21-46925876-T-C.
Other names: c.3743T>C, p.Val1248Ala (NM_030582.4); c.4448T>C, p.Val1483Ala (NM_130444.3); short protein forms V1071A, V1483A, V1248A.
Identifiers: ClinVar variation 2067910 (VCV002067910.1), dbSNP rs769716996, ClinGen allele CA10067752.
Genomic context (GRCh38, chr21:45,505,962, plus strand): 5'-TCATCTTCGTGGCCGAGCAGGAGGAGCTCTACGTCCGCGTGCAGAACGGGTTCCGGAAGG[T>C]CCAGGTGAGCGCTCTGTGTGACGGGTTCTGGACCCGTGGAAGGGCCGAAGCCGCCTCCTG-3'
Protein context (NP_001366429.1, residues 1061-1081): YVRVQNGFRK[Val1071Ala]QLEARTPLPR